The following is an entry in ClinVar:

ClinVar aggregate classification (germline): Uncertain significance (1 of 4 stars; one submission).

Conditions:
Alpha thalassemia-X-linked intellectual disability syndrome (ATRX). Also called: ALPHA-THALASSEMIA/MENTAL RETARDATION SYNDROME, X-LINKED; ATR, NONDELETION TYPE; ALPHA-THALASSEMIA/IMPAIRED INTELLECTUAL DEVELOPMENT SYNDROME, X-LINKED; X-linked alpha-thalassemia-mental retardation syndrome; ATR-X syndrome; Alpha thalassemia mental retardation syndrome, nondeletion type, X-linked. Identifiers: Orphanet 847, MedGen C1845055, MONDO:0010519, OMIM 301040.

Submission:

Labcorp Genetics (formerly Invitae), Labcorp
Classification: Uncertain significance for Alpha thalassemia-X-linked intellectual disability syndrome. Last evaluated: 2024-11-07. Review status: criteria provided, single submitter. Criteria: Invitae Variant Classification Sherloc (09022015). Collection method: clinical testing. Allele origin: germline.
Comment: This variant, c.3498_3500del, results in the deletion of 1 amino acid(s) of the ATRX protein (p.Lys1169del), but otherwise preserves the integrity of the reading frame. This variant is present in population databases (rs782695846, gnomAD 0.02%), including at least one homozygous and/or hemizygous individual. This variant has not been reported in the literature in individuals affected with ATRX-related conditions. ClinVar contains an entry for this variant (Variation ID: 533630). Experimental studies and prediction algorithms are not available or were not evaluated, and the functional significance of this variant is currently unknown. In summary, the available evidence is currently insufficient to determine the role of this variant in disease. Therefore, it has been classified as a Variant of Uncertain Significance.

NM_000489.6(ATRX):c.3498_3500del (p.Lys1169del)

Gene: ATRX (ATRX chromatin remodeler; minus strand). Cytogenetic location: Xq21.1.
Variant type: Deletion.
Coding change: c.3498_3500del on transcript NM_000489.6 (MANE Select); coding-DNA positions 3498 to 3500, 3 bases deleted (AAA; older notation c.3498_3500delAAA).
Protein change: p.Lys1169del; deletes lysine 1169.
Molecular consequence: inframe deletion.
Genome position (GRCh38, 1-based): chrX:77,681,756-77,681,758, TTT deleted on the plus strand (AAA on the coding strand, the reverse complement: ATRX is on the minus strand); deleting any 3 consecutive bases within chrX:77,681,756-77,681,760 gives the same sequence; the c. name uses the placement nearest the transcript's 3' end. VCF-style (leftmost placement, unchanged base first): chrX-77681755-CTTT-C. GRCh37 (hg19) VCF-style: chrX-76937247-CTTT-C.
Other names: c.3384_3386del, p.Lys1131del (NM_138270.5); short protein forms K1169del, K1131del.
Identifiers: ClinVar variation 533630 (VCV000533630.6), dbSNP rs782695846, ClinGen allele CA10457948.